The following is an entry in ClinVar:

ClinVar aggregate classification (germline): Uncertain significance (1 of 4 stars; one submission).

Conditions:
Nemaline myopathy 10 (NEM10). Identifiers: MedGen C4015360, MONDO:0014513, OMIM 616165.

Allele frequency attached by ClinVar (database versions not stated): ExAC 0.00001.
gnomAD v4.1: 1 of 1,613,762 alleles (0.000062%); highest among the groups gnomAD compares: Admixed American, 0.0017%; no homozygotes.

Submission:

Labcorp Genetics (formerly Invitae), Labcorp
Classification: Uncertain significance for Nemaline myopathy 10. Last evaluated: 2018-11-07. Review status: criteria provided, single submitter. Criteria: Invitae Variant Classification Sherloc (09022015). Collection method: clinical testing. Allele origin: germline.
Comment: This sequence change replaces proline with leucine at codon 427 of the LMOD3 protein (p.Pro427Leu). The proline residue is highly conserved and there is a moderate physicochemical difference between proline and leucine. This variant is present in population databases (rs766271038, ExAC 0.009%). This variant has not been reported in the literature in individuals with LMOD3-related disease. Algorithms developed to predict the effect of missense changes on protein structure and function (SIFT, PolyPhen-2, Align-GVGD) all suggest that this variant is likely to be disruptive, but these predictions have not been confirmed by published functional studies and their clinical significance is uncertain. In summary, the available evidence is currently insufficient to determine the role of this variant in disease. Therefore, it has been classified as a Variant of Uncertain Significance.

NM_198271.5(LMOD3):c.1280C>T (p.Pro427Leu)

Gene: LMOD3 (leiomodin 3; minus strand). Cytogenetic location: 3p14.1.
Variant type: single nucleotide variant.
Coding change: c.1280C>T on transcript NM_198271.5 (MANE Select); coding-DNA position 1280, C replaced by T.
Protein change: p.Pro427Leu; replaces proline 427 with leucine.
Molecular consequence: missense variant.
Genome position (GRCh38, 1-based): chr3:69,119,075, G>A on the plus strand (C>T on the coding strand, the complement: LMOD3 is on the minus strand). VCF-style: chr3-69119075-G-A. GRCh37 (hg19) VCF-style: chr3-69168226-G-A.
Other names: c.1280C>T, p.Pro427Leu (NM_001304418.3); short protein forms P427L.
Identifiers: ClinVar variation 642773 (VCV000642773.1), dbSNP rs766271038, ClinGen allele CA2488824.